The following is an entry in ClinVar:

NM_006514.4(SCN10A):c.4763G>A (p.Arg1588Gln)

Gene: SCN10A (sodium voltage-gated channel alpha subunit 10; minus strand). Cytogenetic location: 3p22.2.
Variant type: single nucleotide variant.
Coding change: c.4763G>A on transcript NM_006514.4 (MANE Select); coding-DNA position 4763, G replaced by A.
Protein change: p.Arg1588Gln; replaces arginine 1588 with glutamine.
Molecular consequence: missense variant.
Genome position (GRCh38, 1-based): chr3:38,698,457, C>T on the plus strand (G>A on the coding strand, the complement: SCN10A is on the minus strand). VCF-style: chr3-38698457-C-T. GRCh37 (hg19) VCF-style: chr3-38739948-C-T.
Other names: c.4760G>A, p.Arg1587Gln (NM_001293306.2); c.4469G>A, p.Arg1490Gln (NM_001293307.2); short protein forms R1588Q, R1490Q, R1587Q.
Identifiers: ClinVar variation 381544 (VCV000381544.25), dbSNP rs376439863, ClinGen allele CA2319817.

ClinVar aggregate classification (germline): Uncertain significance. Review status: criteria provided, multiple submitters, no conflicts (2 of 4 stars). 5 submissions from 5 submitters: Uncertain significance (5). Last evaluated 2025-04-13.

Conditions:
Episodic pain syndrome, familial, 2 (FEPS2). Identifiers: Orphanet 306577, MedGen C3809893, MONDO:0014246, OMIM 615551.
Cardiovascular phenotype. Identifiers: MedGen CN230736.
Brugada syndrome. Also called: Sudden Unexplained Death Syndrome; Sudden Unexplained Nocturnal Death Syndrome (SUNDS); Sudden unexplained nocturnal death syndrome; Sudden unexpected nocturnal death syndrome. Identifiers: Orphanet 130, MedGen C1142166, MONDO:0015263.

Allele frequency attached by ClinVar (database versions not stated): gnomAD 0.00001; TOPMed 0.00002; ESP Exome Variant Server 0.00008.
gnomAD v4.1: 28 of 1,613,968 alleles (0.0017%); highest among the groups gnomAD compares: East Asian, 0.0022%; no homozygotes.

Submissions (5):

Labcorp Genetics (formerly Invitae), Labcorp
Classification: Uncertain significance for Brugada syndrome. Last evaluated: 2025-04-13. Review status: criteria provided, single submitter. Criteria: Invitae Variant Classification Sherloc (09022015). Collection method: clinical testing. Allele origin: germline.
Comment: This sequence change replaces arginine, which is basic and polar, with glutamine, which is neutral and polar, at codon 1588 of the SCN10A protein (p.Arg1588Gln). This variant is present in population databases (rs376439863, gnomAD 0.006%). This missense change has been observed in individual(s) with atrial fibrillation (PMID: 25691686). ClinVar contains an entry for this variant (Variation ID: 381544). Invitae Evidence Modeling of protein sequence and biophysical properties (such as structural, functional, and spatial information, amino acid conservation, physicochemical variation, residue mobility, and thermodynamic stability) indicates that this missense variant is expected to disrupt SCN10A protein function with a positive predictive value of 80%. Experimental studies have shown that this missense change affects SCN10A function (PMID: 25691686). In summary, the available evidence is currently insufficient to determine the role of this variant in disease. Therefore, it has been classified as a Variant of Uncertain Significance.

CeGaT Center for Human Genetics Tuebingen
Classification: Uncertain significance. Last evaluated: 2024-07-01. Review status: criteria provided, single submitter. Criteria: CeGaT Center For Human Genetics Tuebingen Variant Classification Criteria Version 2. Collection method: clinical testing. Allele origin: germline. Affected: yes. Observed: 1 variant allele.

Ambry Genetics
Classification: Uncertain significance for Cardiovascular phenotype. Last evaluated: 2024-04-09. Review status: criteria provided, single submitter. Criteria: Ambry Variant Classification Scheme 2023. Collection method: clinical testing. Allele origin: germline.
Comment: The p.R1588Q variant (also known as c.4763G>A), located in coding exon 27 of the SCN10A gene, results from a G to A substitution at nucleotide position 4763. The arginine at codon 1588 is replaced by glutamine, an amino acid with highly similar properties. This amino acid position is well conserved in available vertebrate species. In addition, the in silico prediction for this alteration is inconclusive. The evidence for this gene-disease relationship is limited; therefore, the clinical significance of this alteration is unclear.

GeneDx
Classification: Uncertain significance. Last evaluated: 2023-10-18. Review status: criteria provided, single submitter. Criteria: GeneDx Variant Classification Process June 2021. Collection method: clinical testing. Allele origin: germline. Affected: yes.
Comment: Has been reported in a patient with atrial fibrillation (PMID: 25691686); Not observed at significant frequency in large population cohorts (gnomAD); In silico analysis supports that this missense variant does not alter protein structure/function; This variant is associated with the following publications: (PMID: 25691686)

Fulgent Genetics
Classification: Uncertain significance for Episodic pain syndrome, familial, 2. Last evaluated: 2021-10-18. Review status: criteria provided, single submitter. Criteria: ACMG Guidelines, 2015. Collection method: clinical testing. Allele origin: unknown.

Literature cited by the submitters: PubMed 25691686 (cited by Labcorp Genetics (formerly Invitae), Labcorp).